The following is an entry in ClinVar:

NM_002661.5(PLCG2):c.1385G>A (p.Gly462Asp)

Gene: PLCG2 (phospholipase C gamma 2; plus strand). Cytogenetic location: 16q23.3.
Variant type: single nucleotide variant.
Coding change: c.1385G>A on transcript NM_002661.5 (MANE Select); coding-DNA position 1385, G replaced by A.
Protein change: p.Gly462Asp; replaces glycine 462 with aspartic acid.
Molecular consequence: missense variant.
Genome position (GRCh38, 1-based): chr16:81,905,425, G>A. VCF-style: chr16-81905425-G-A. GRCh37 (hg19) VCF-style: chr16-81939030-G-A.
Other names: short protein forms G462D.
Identifiers: ClinVar variation 1038330 (VCV001038330.8), dbSNP rs1909323788, ClinGen allele CA396899617.

ClinVar aggregate classification (germline): Uncertain significance (1 of 4 stars; one submission).

Conditions:
Familial cold autoinflammatory syndrome 3 (FCAS3). Also called: FAMILIAL ATYPICAL COLD URTICARIA; ANTIBODY DEFICIENCY AND IMMUNE DYSREGULATION, PLCG2-ASSOCIATED. Identifiers: Orphanet 300359, MedGen C3280914, MONDO:0013766, OMIM 614468.

Allele frequency attached by ClinVar (database versions not stated): TOPMed 0.00001.
gnomAD v4.1: 2 of 1,614,084 alleles (0.00012%); highest among the groups gnomAD compares: Middle Eastern, 0.016%; no homozygotes.

Submission:

Labcorp Genetics (formerly Invitae), Labcorp
Classification: Uncertain significance for Familial cold autoinflammatory syndrome 3. Last evaluated: 2020-02-26. Review status: criteria provided, single submitter. Criteria: Invitae Variant Classification Sherloc (09022015). Collection method: clinical testing. Allele origin: germline.
Comment: This sequence change replaces glycine with aspartic acid at codon 462 of the PLCG2 protein (p.Gly462Asp). The glycine residue is highly conserved and there is a moderate physicochemical difference between glycine and aspartic acid. This variant is not present in population databases (ExAC no frequency). This variant has not been reported in the literature in individuals with PLCG2-related conditions. Algorithms developed to predict the effect of missense changes on protein structure and function are either unavailable or do not agree on the potential impact of this missense change (SIFT: "Tolerated"; PolyPhen-2: "Possibly Damaging"; Align-GVGD: "Class C0"). In summary, the available evidence is currently insufficient to determine the role of this variant in disease. Therefore, it has been classified as a Variant of Uncertain Significance.